The following is an entry in ClinVar:

ClinVar aggregate classification (germline): Uncertain significance (1 of 4 stars; one submission).

Conditions:
Retinitis pigmentosa 59 (RP59). Identifiers: Orphanet 791, MedGen C3151227, MONDO:0013468, OMIM 613861.

Submission:

Labcorp Genetics (formerly Invitae), Labcorp
Classification: Uncertain significance for Retinitis pigmentosa 59. Last evaluated: 2023-02-15. Review status: criteria provided, single submitter. Criteria: Invitae Variant Classification Sherloc (09022015). Collection method: clinical testing. Allele origin: germline.
Comment: Variants that disrupt the consensus splice site are a relatively common cause of aberrant splicing (PMID: 17576681, 9536098). Algorithms developed to predict the effect of sequence changes on RNA splicing suggest that this variant is not likely to affect RNA splicing. In summary, the available evidence is currently insufficient to determine the role of this variant in disease. Therefore, it has been classified as a Variant of Uncertain Significance. This sequence change falls in intron 6 of the DHDDS gene. It does not directly change the encoded amino acid sequence of the DHDDS protein. It affects a nucleotide within the consensus splice site. This variant is not present in population databases (gnomAD no frequency). This variant has not been reported in the literature in individuals affected with DHDDS-related conditions.

Literature cited by the submitters: PubMed 17576681; PubMed 9536098.

NM_205861.3(DHDDS):c.543-3T>C

Gene: DHDDS (dehydrodolichyl diphosphate synthase subunit; plus strand). Cytogenetic location: 1p36.11.
Variant type: single nucleotide variant.
Coding change: c.543-3T>C on transcript NM_205861.3 (MANE Select); 3 bases into the intron before coding-DNA position 543, T replaced by C.
Molecular consequence: intron variant.
Genome position (GRCh38, 1-based): chr1:26,457,788, T>C. VCF-style: chr1-26457788-T-C. GRCh37 (hg19) VCF-style: chr1-26784279-T-C.
Other names: c.264-3T>C (NM_001319959.2); c.543-3T>C (NM_024887.4); c.441-3T>C (NM_001243564.2); c.426-3T>C (NM_001243565.2).
Identifiers: ClinVar variation 2837640 (VCV002837640.3), dbSNP rs2524685159, ClinGen allele CA2739272405.